The following is an entry in ClinVar:

ClinVar aggregate classification (germline): Uncertain significance (1 of 4 stars; one submission).

Allele frequency attached by ClinVar (database versions not stated): gnomAD exomes 0.00003; TOPMed 0.00003; gnomAD 0.00001.
gnomAD v4.1: 47 of 1,551,000 alleles (0.003%); highest among the groups gnomAD compares: Non-Finnish European, 0.0037%; no homozygotes.

Submission:

Labcorp Genetics (formerly Invitae), Labcorp
Classification: Uncertain significance. Last evaluated: 2022-08-09. Review status: criteria provided, single submitter. Criteria: Invitae Variant Classification Sherloc (09022015). Collection method: clinical testing. Allele origin: germline.
Comment: This sequence change replaces leucine, which is neutral and non-polar, with serine, which is neutral and polar, at codon 496 of the KPNA7 protein (p.Leu496Ser). This variant is present in population databases (no rsID available, gnomAD 0.005%). This variant has not been reported in the literature in individuals affected with KPNA7-related conditions. ClinVar contains an entry for this variant (Variation ID: 644698). Algorithms developed to predict the effect of missense changes on protein structure and function are either unavailable or do not agree on the potential impact of this missense change (SIFT: "Tolerated"; PolyPhen-2: "Possibly Damaging"; Align-GVGD: "Class C0"). In summary, the available evidence is currently insufficient to determine the role of this variant in disease. Therefore, it has been classified as a Variant of Uncertain Significance.

NM_001145715.3(KPNA7):c.1487T>C (p.Leu496Ser)

Gene: KPNA7 (karyopherin subunit alpha 7; minus strand). Cytogenetic location: 7q22.1.
Variant type: single nucleotide variant.
Coding change: c.1487T>C on transcript NM_001145715.3 (MANE Select); coding-DNA position 1487, T replaced by C.
Protein change: p.Leu496Ser; replaces leucine 496 with serine.
Molecular consequence: missense variant.
Genome position (GRCh38, 1-based): chr7:99,173,772, A>G on the plus strand (T>C on the coding strand, the complement: KPNA7 is on the minus strand). VCF-style: chr7-99173772-A-G. GRCh37 (hg19) VCF-style: chr7-98771395-A-G.
Other names: short protein forms L496S.
Identifiers: ClinVar variation 644698 (VCV000644698.6), dbSNP rs964768470, ClinGen allele CA163743782.